The following is an entry in ClinVar:

NM_005989.4(AKR1D1):c.186C>T (p.His62=)

Gene: AKR1D1 (aldo-keto reductase family 1 member D1; plus strand). Cytogenetic location: 7q33.
Variant type: single nucleotide variant.
Coding change: c.186C>T on transcript NM_005989.4 (MANE Select); coding-DNA position 186, C replaced by T.
Protein change: p.His62=; no amino-acid change (histidine 62 retained).
Molecular consequence: synonymous variant.
Genome position (GRCh38, 1-based): chr7:138,088,693, C>T. VCF-style: chr7-138088693-C-T. GRCh37 (hg19) VCF-style: chr7-137773439-C-T.
Other names: c.186C>T, p.His62= (NM_001190906.2, NM_001190907.2).
Identifiers: ClinVar variation 3048250 (VCV003048250.4), dbSNP rs374656577, ClinGen allele CA4502598.

ClinVar aggregate classification (germline): Likely benign. Review status: criteria provided, single submitter (1 of 4 stars). 2 submissions from 2 submitters: Likely benign (1). 1 of the submissions does not count toward it. Last evaluated 2024-03-08.

Conditions:
AKR1D1-related disorder. Also called: AKR1D1-related condition.

Allele frequency attached by ClinVar (database versions not stated): ExAC 0.00014; ESP Exome Variant Server 0.00023; TOPMed 0.00016; gnomAD 0.00021; gnomAD exomes 0.00019.
gnomAD v4.1: 317 of 1,613,652 alleles (0.02%); highest among the groups gnomAD compares: Admixed American, 0.037%; no homozygotes.

Submissions (2):

Labcorp Genetics (formerly Invitae), Labcorp
Classification: Likely benign. Last evaluated: 2024-03-08. Review status: criteria provided, single submitter. Criteria: Invitae Variant Classification Sherloc (09022015). Collection method: clinical testing. Allele origin: germline.

PreventionGenetics, part of Exact Sciences
Classification: Likely benign for AKR1D1-related condition. Last evaluated: 2021-09-09. Review status: no assertion criteria provided. Collection method: clinical testing. Allele origin: germline. Not counted in ClinVar's aggregate classification.
Comment: This variant is classified as likely benign based on ACMG/AMP sequence variant interpretation guidelines (Richards et al. 2015 PMID: 25741868, with internal and published modifications).